The following is an entry in ClinVar:

NM_001084.5(PLOD3):c.1448C>T (p.Ser483Leu)

Gene: PLOD3 (procollagen-lysine,2-oxoglutarate 5-dioxygenase 3; minus strand). Cytogenetic location: 7q22.1.
Variant type: single nucleotide variant.
Coding change: c.1448C>T on transcript NM_001084.5 (MANE Select); coding-DNA position 1448, C replaced by T.
Protein change: p.Ser483Leu; replaces serine 483 with leucine.
Molecular consequence: missense variant.
Genome position (GRCh38, 1-based): chr7:101,210,584, G>A on the plus strand (C>T on the coding strand, the complement: PLOD3 is on the minus strand). VCF-style: chr7-101210584-G-A. GRCh37 (hg19) VCF-style: chr7-100853865-G-A.
Other names: c.1448C>T (NM_001084.4); short protein forms S483L.
Identifiers: ClinVar variation 1382324 (VCV001382324.9), dbSNP rs143759215, ClinGen allele CA4407675.

ClinVar aggregate classification (germline): Conflicting classifications of pathogenicity. Review status: criteria provided, conflicting classifications (1 of 4 stars). 3 submissions from 3 submitters: Uncertain significance (2); Likely benign (1). Last evaluated 2025-11-10.

Conditions:
Inborn genetic diseases. Identifiers: MedGen C0950123, MeSH D030342.
Bone fragility with contractures, arterial rupture, and deafness. Also called: LH3 DEFICIENCY; LYSYL HYDROXYLASE 3 DEFICIENCY; BCARD SYNDROME; BONE ABNORMALITIES, CATARACT, ARTERIAL RUPTURE, AND DEAFNESS. Identifiers: Orphanet 300284, MedGen C2676285, MONDO:0012892, OMIM 612394.

Allele frequency attached by ClinVar (database versions not stated): TOPMed 0.00002; gnomAD 0.00004 and 0.00006; gnomAD exomes 0.00013 and 0.00016; ExAC 0.00016; 1000 Genomes Project 30x 0.00047; 1000 Genomes Project 0.00060.
gnomAD v4.1: 192 of 1,614,160 alleles (0.012%); highest among the groups gnomAD compares: East Asian, 0.31%; 1 homozygote.

Submissions (3):

Labcorp Genetics (formerly Invitae), Labcorp
Classification: Uncertain significance. Last evaluated: 2025-11-10. Review status: criteria provided, single submitter. Criteria: Invitae Variant Classification Sherloc (09022015). Collection method: clinical testing. Allele origin: germline.
Comment: This sequence change replaces serine, which is neutral and polar, with leucine, which is neutral and non-polar, at codon 483 of the PLOD3 protein (p.Ser483Leu). The frequency data for this variant in the population databases is considered unreliable, as metrics indicate poor data quality at this position in the gnomAD database. This variant has not been reported in the literature in individuals affected with PLOD3-related conditions. ClinVar contains an entry for this variant (Variation ID: 1382324). Invitae Evidence Modeling of protein sequence and biophysical properties (such as structural, functional, and spatial information, amino acid conservation, physicochemical variation, residue mobility, and thermodynamic stability) indicates that this missense variant is not expected to disrupt PLOD3 protein function with a negative predictive value of 80%. In summary, the available evidence is currently insufficient to determine the role of this variant in disease. Therefore, it has been classified as a Variant of Uncertain Significance.

Ambry Genetics
Classification: Likely benign for Inborn genetic diseases. Last evaluated: 2025-02-23. Review status: criteria provided, single submitter. Criteria: Ambry Variant Classification Scheme 2023. Collection method: clinical testing. Allele origin: germline.

Revvity Omics, Revvity
Classification: Uncertain significance for Bone fragility with contractures, arterial rupture, and deafness. Last evaluated: 2022-07-27. Review status: criteria provided, single submitter. Criteria: ACMG Guidelines, 2015. Collection method: clinical testing. Allele origin: germline.